The following is an entry in ClinVar:

NM_002109.6(HARS1):c.90+4A>G

Genes: HARS1 (histidyl-tRNA synthetase 1; minus strand), LOC129994848 (ATAC-STARR-seq lymphoblastoid active region 23285; plus strand). Cytogenetic location: 5q31.3.
Variant type: single nucleotide variant.
Coding change: c.90+4A>G on transcript NM_002109.6 (MANE Select); 4 bases into the intron after coding-DNA position 90, A replaced by G.
Molecular consequence: intron variant.
Genome position (GRCh38, 1-based): chr5:140,691,211, T>C on the plus strand (A>G on the coding strand, the complement: HARS1 is on the minus strand). VCF-style: chr5-140691211-T-C. GRCh37 (hg19) VCF-style: chr5-140070796-T-C.
Other names: c.3+91A>G (NM_001289094.2); c.90+4A>G (NM_001289093.2, NM_001258042.3, NM_001258040.3 and 2 more transcripts).
Identifiers: ClinVar variation 504246 (VCV000504246.2), dbSNP rs776405841, ClinGen allele CA658796652.

ClinVar aggregate classification (germline): Uncertain significance (1 of 4 stars; one submission).

gnomAD v4.1: 1 of 1,596,342 alleles (0.000063%); highest among the groups gnomAD compares: Non-Finnish European, 0.000085%; no homozygotes.

Submission:

GeneDx
Classification: Uncertain significance. Last evaluated: 2018-02-12. Review status: criteria provided, single submitter. Criteria: GeneDx Variant Classification (06012015). Collection method: clinical testing. Allele origin: germline. Affected: yes.
Comment: The c.90+4A>G variant in the HARS gene has not been reported previously as a pathogenic variant nor as a benign variant, to our knowledge. This variant reduces the quality of the splice donor site in intron 1, and is expected to cause abnormal gene splicing. The c.90+4A>G variant is not observed in large population cohorts (Lek et al., 2016). We interpret c.90+4A>G as a variant of uncertain significance.